The following is an entry in ClinVar:

ClinVar aggregate classification (germline): Uncertain significance (1 of 4 stars; one submission).

Submission:

Labcorp Genetics (formerly Invitae), Labcorp
Classification: Uncertain significance. Last evaluated: 2022-03-26. Review status: criteria provided, single submitter. Criteria: Invitae Variant Classification Sherloc (09022015). Collection method: clinical testing. Allele origin: germline.
Comment: In summary, the available evidence is currently insufficient to determine the role of this variant in disease. Therefore, it has been classified as a Variant of Uncertain Significance. Algorithms developed to predict the effect of missense changes on protein structure and function are either unavailable or do not agree on the potential impact of this missense change (SIFT: "Deleterious"; PolyPhen-2: "Probably Damaging"; Align-GVGD: "Class C15"). This variant has not been reported in the literature in individuals affected with NBAS-related conditions. This variant is not present in population databases (gnomAD no frequency). This sequence change replaces valine, which is neutral and non-polar, with methionine, which is neutral and non-polar, at codon 1655 of the NBAS protein (p.Val1655Met).

NM_015909.4(NBAS):c.4963G>A (p.Val1655Met)

Gene: NBAS (NBAS subunit of NRZ tethering complex; minus strand). Cytogenetic location: 2p24.3.
Variant type: single nucleotide variant.
Coding change: c.4963G>A on transcript NM_015909.4 (MANE Select); coding-DNA position 4963, G replaced by A.
Protein change: p.Val1655Met; replaces valine 1655 with methionine.
Molecular consequence: missense variant. On other transcripts: non-coding transcript variant (1).
Genome position (GRCh38, 1-based): chr2:15,292,601, C>T on the plus strand (G>A on the coding strand, the complement: NBAS is on the minus strand). VCF-style: chr2-15292601-C-T. GRCh37 (hg19) VCF-style: chr2-15432725-C-T.
Other names: short protein forms V1655M.
Identifiers: ClinVar variation 2117199 (VCV002117199.4), dbSNP rs2528203140, ClinGen allele CA345889023.